The following is an entry in ClinVar:

ClinVar aggregate classification (germline): Conflicting classifications of pathogenicity. Review status: criteria provided, conflicting classifications (1 of 4 stars). 3 submissions from 3 submitters: Likely pathogenic (2); Uncertain significance (1). Last evaluated 2025-07-31.

Conditions:
Mucopolysaccharidosis, MPS-III-A (MPS3A). Also called: Mucopolysaccharidosis type IIIA (Sanfilippo A); Mucopolysaccharidosis, type IIIA; mucopolysaccharidosis type 3A; MPS IIIA (Sanfilippo Syndrome Type A); HEPARAN SULFATE SULFATASE DEFICIENCY; SANFILIPPO SYNDROME A. Identifiers: Orphanet 581, Orphanet 79269, MedGen C0086647, MONDO:0009655, OMIM 252900.

gnomAD v4.1: 2 of 1,608,708 alleles (0.00012%); highest among the groups gnomAD compares: Non-Finnish European, 0.00017%; no homozygotes.

Submissions (3):

Women's Health and Genetics/Laboratory Corporation of America, LabCorp
Classification: Uncertain significance. Last evaluated: 2025-07-31. Review status: criteria provided, single submitter. Criteria: LabCorp Variant Classification Summary - May 2015. Collection method: clinical testing. Allele origin: germline.
Comment: Variant summary: SGSH c.703G>C (p.Asp235His) results in a non-conservative amino acid change in the encoded protein sequence. Algorithms developed to predict the effect of missense changes on protein structure and function all suggest that this variant is likely to be disruptive. The variant was absent in 237402 control chromosomes. The available data on variant occurrences in the general population are insufficient to allow any conclusion about variant significance. To our knowledge, no occurrence of c.703G>C in individuals affected with Mucopolysaccharidosis, MPS-III-A and no experimental evidence demonstrating its impact on protein function have been reported. A different variant affecting the same codon has been classified as pathogenic by our lab (c.703G>A, p.Asp235Asn), supporting the critical relevance of codon 235 to SGSH protein function. ClinVar contains an entry for this variant (Variation ID: 2817814). Based on the evidence outlined above, the variant was classified as uncertain significance.

Natera, Inc.
Classification: Likely pathogenic for Mucopolysaccharidosis type IIIA. Last evaluated: 2024-11-06. Review status: criteria provided, single submitter. Criteria: Natera Variant Classification Schema (03/2026). Collection method: clinical testing. Allele origin: germline.
Comment: The c.703G>C variant in SGSH is a missense variant predicted to cause substitution of aspartic acid to histidine at amino acid 235. This variant is rare in the general population with a frequency below the threshold expected for the associated phenotype(s). This variant has been observed in one or more individuals affected with the associated recessive disease, as either homozygous or compound heterozygous with a second variant (PMID: 35629088). A different variant at the same position has been determined to be Pathogenic or Likely Pathogenic. Computational prediction algorithms indicate this variant is likely to affect gene or protein function. Given the available evidence, this variant is classified as Likely Pathogenic.

Labcorp Genetics (formerly Invitae), Labcorp
Classification: Likely pathogenic for Mucopolysaccharidosis, MPS-III-A. Last evaluated: 2024-04-01. Review status: criteria provided, single submitter. Criteria: Invitae Variant Classification Sherloc (09022015). Collection method: clinical testing. Allele origin: germline.
Comment: This sequence change replaces aspartic acid, which is acidic and polar, with histidine, which is basic and polar, at codon 235 of the SGSH protein (p.Asp235His). This variant is not present in population databases (gnomAD no frequency). This variant has not been reported in the literature in individuals affected with SGSH-related conditions. Advanced modeling of protein sequence and biophysical properties (such as structural, functional, and spatial information, amino acid conservation, physicochemical variation, residue mobility, and thermodynamic stability) performed at Invitae indicates that this missense variant is expected to disrupt SGSH protein function with a positive predictive value of 95%. This variant disrupts the p.Asp235 amino acid residue in SGSH. Other variant(s) that disrupt this residue have been determined to be pathogenic (PMID: 11182930, 12000360, 19099774; Invitae). This suggests that this residue is clinically significant, and that variants that disrupt this residue are likely to be disease-causing. In summary, the currently available evidence indicates that the variant is pathogenic, but additional data are needed to prove that conclusively. Therefore, this variant has been classified as Likely Pathogenic.

Literature cited by the submitters: PubMed 35629088 (cited by Natera, Inc.); PubMed 11182930 (cited by Labcorp Genetics (formerly Invitae), Labcorp); PubMed 12000360 (cited by Labcorp Genetics (formerly Invitae), Labcorp); PubMed 19099774 (cited by Labcorp Genetics (formerly Invitae), Labcorp).

NM_000199.5(SGSH):c.703G>C (p.Asp235His)

Gene: SGSH (N-sulfoglucosamine sulfohydrolase; minus strand). Cytogenetic location: 17q25.3.
Variant type: single nucleotide variant.
Coding change: c.703G>C on transcript NM_000199.5 (MANE Select); coding-DNA position 703, G replaced by C.
Protein change: p.Asp235His; replaces aspartic acid 235 with histidine.
Molecular consequence: missense variant. On other transcripts: non-coding transcript variant (1).
Genome position (GRCh38, 1-based): chr17:80,213,846, C>G on the plus strand (G>C on the coding strand, the complement: SGSH is on the minus strand). VCF-style: chr17-80213846-C-G. GRCh37 (hg19) VCF-style: chr17-78187645-C-G.
Other names: c.703G>C (NM_000199.4); c.703G>C, p.Asp235His (NM_001352921.3, NM_001352922.2); short protein forms D235H.
Identifiers: ClinVar variation 2817814 (VCV002817814.5), dbSNP rs753472891, ClinGen allele CA401361351.